The following is an entry in ClinVar:

NM_194248.3(OTOF):c.5103+1G>A

Genes: OTOF (otoferlin; minus strand), LOC112840921 (BRD4-independent group 4 enhancer GRCh37_chr2:26685720-26686919; plus strand). Cytogenetic location: 2p23.3.
Variant type: single nucleotide variant.
Coding change: c.5103+1G>A on transcript NM_194248.3 (MANE Select); the canonical splice donor site of the intron after coding-DNA position 5103, G replaced by A.
Molecular consequence: splice donor variant.
Genome position (GRCh38, 1-based): chr2:26,463,963, C>T on the plus strand (G>A on the coding strand, the complement: OTOF is on the minus strand). VCF-style: chr2-26463963-C-T. GRCh37 (hg19) VCF-style: chr2-26686831-C-T.
Other names: c.5103+1G>A (NM_001287489.2); c.2802+1G>A (NM_194323.3, NM_004802.4); c.3033+1G>A (NM_194322.3).
Identifiers: ClinVar variation 3601552 (VCV003601552.1).
Genomic context (GRCh38, chr2:26,463,963, plus strand): 5'-AGGTTGGGGATCCCTGGTCCCCAATACCCAAGAACCCCAGTCTTGGCCATGCAAGTGTCA[C>T]CTGCTCGATGCCCGGCTTGTCGGGGTTGAGCAGCGGCCTCGTCTCCACATGCTCTGGCAC-3'

ClinVar aggregate classification (germline): Pathogenic (1 of 4 stars; one submission).

Conditions:
Autosomal recessive nonsyndromic hearing loss 9. Also called: NEUROSENSORY NONSYNDROMIC RECESSIVE DEAFNESS 9; OTOF-Related Hearing Loss; Deafness, autosomal recessive 9; AUDITORY NEUROPATHY, AUTOSOMAL RECESSIVE, 1, TEMPERATURE-SENSITIVE. Identifiers: Orphanet 90636, MedGen C1832828, MONDO:0010986, OMIM 601071.

gnomAD v4.1: 1 of 1,613,588 alleles (0.000062%); no homozygotes.

Submission:

Institute of Rare Diseases, West China Hospital, Sichuan University
Classification: Pathogenic for Autosomal recessive nonsyndromic hearing loss 9. Last evaluated: 2025-01-09. Review status: criteria provided, single submitter. Criteria: ClinGen HL ACMG Specifications v1. Collection method: research. Allele origin: germline. Affected: yes.
Comment: PVS1;PM3;PM2_Supporting